The following is an entry in ClinVar:

ClinVar aggregate classification (germline): Pathogenic (1 of 4 stars; one submission).

Submission:

Labcorp Genetics (formerly Invitae), Labcorp
Classification: Pathogenic. Last evaluated: 2022-02-18. Review status: criteria provided, single submitter. Criteria: Invitae Variant Classification Sherloc (09022015). Collection method: clinical testing. Allele origin: germline.
Comment: For these reasons, this variant has been classified as Pathogenic. This variant has not been reported in the literature in individuals affected with SI-related conditions. This variant is not present in population databases (gnomAD no frequency). This sequence change creates a premature translational stop signal (p.Tyr1063Leufs*2) in the SI gene. It is expected to result in an absent or disrupted protein product. Loss-of-function variants in SI are known to be pathogenic (PMID: 16329100, 23103650, 25452324).

Literature cited by the submitters: PubMed 16329100; PubMed 23103650; PubMed 25452324.

NM_001041.4(SI):c.3187dup (p.Tyr1063fs)

Gene: SI (sucrase-isomaltase; minus strand). Cytogenetic location: 3q26.1.
Variant type: Duplication.
Coding change: c.3187dup on transcript NM_001041.4 (MANE Select); coding-DNA position 3187, one base duplicated (T; older notation c.3187dupT).
Protein change: p.Tyr1063fs; shifts the reading frame from tyrosine 1063.
Molecular consequence: frameshift variant.
Genome position (GRCh38, 1-based): chr3:165,021,296, A duplicated on the plus strand (T on the coding strand, the reverse complement: SI is on the minus strand); the first of 3 consecutive A bases (chr3:165,021,296-165,021,298); duplicating any one gives the same sequence. VCF-style (leftmost placement, unchanged base first): chr3-165021295-T-TA. GRCh37 (hg19) VCF-style: chr3-164739083-T-TA.
Other names: short protein forms Y1063fs.
Identifiers: ClinVar variation 2098964 (VCV002098964.4), dbSNP rs776569472, ClinGen allele CA2580069012.